The following is an entry in ClinVar:

NM_000090.4(COL3A1):c.1070G>A (p.Gly357Glu)

Gene: COL3A1 (collagen type III alpha 1 chain; plus strand). Cytogenetic location: 2q32.2.
Variant type: single nucleotide variant.
Coding change: c.1070G>A on transcript NM_000090.4 (MANE Select); coding-DNA position 1070, G replaced by A.
Protein change: p.Gly357Glu; replaces glycine 357 with glutamic acid.
Molecular consequence: missense variant.
Genome position (GRCh38, 1-based): chr2:188,993,380, G>A. VCF-style: chr2-188993380-G-A. GRCh37 (hg19) VCF-style: chr2-189858106-G-A.
Other names: short protein forms G357E.
Identifiers: ClinVar variation 1474242 (VCV001474242.8), dbSNP rs2153502277, ClinGen allele CA349850814.

ClinVar aggregate classification (germline): Conflicting classifications of pathogenicity. Review status: criteria provided, conflicting classifications (1 of 4 stars). 3 submissions from 3 submitters: Likely pathogenic (2); Uncertain significance (1). Last evaluated 2025-09-25.

Conditions:
COL3A1-related disorder. Also called: COL3A1-related condition.
Ehlers-Danlos syndrome, type 4 (EDSVASC). Also called: Ehlers-Danlos syndrome vascular type; Ehlers Danlos syndrome, ecchymotic type; Ehlers Danlos syndrome, arterial type; Ehlers Danlos syndrome, Sack-Barabas type; Ehlers-Danlos Syndrome Type IV. Identifiers: Orphanet 286, MedGen C0268338, MONDO:0017314, OMIM 130050.

Submissions (3):

3billion
Classification: Uncertain significance for Ehlers-Danlos syndrome, type 4. Last evaluated: 2025-09-25. Review status: criteria provided, single submitter. Criteria: ACMG Guidelines, 2015. Collection method: clinical testing. Allele origin: germline. Affected: yes.
Comment: The variant is not observed in the gnomAD v4.1.0 dataset. Predicted Consequence/Location: Missense variant In silico tool predictions suggest damaging effect of the variant on gene or gene product [REVEL: 0.99 (>=0.6, sensitivity 0.68 and specificity 0.92); 3Cnet: 0.93 (> 0.75, sensitivity 0.96 and precision 0.92)]. The same nucleotide change resulting in the same amino acid change has been previously reported to be associated with COL3A1-related disorder (ClinVar ID: VCV001474242). Therefore, this variant is classified as VUS according to the recommendation of ACMG/AMP guideline.

Labcorp Genetics (formerly Invitae), Labcorp
Classification: Likely pathogenic for Ehlers-Danlos syndrome, type 4. Last evaluated: 2021-09-08. Review status: criteria provided, single submitter. Criteria: Invitae Variant Classification Sherloc (09022015). Collection method: clinical testing. Allele origin: germline.
Comment: This missense change has been observed in individual(s) with clinical features of vascular Ehlers-Danlos syndrome (Invitae). This variant disrupts the triple helix domain of COL3A1. Glycine residues within the Gly-Xaa-Yaa repeats of the triple helix domain are required for the structure and stability of fibrillar collagens (PMID: 7695699, 8218237, 19344236). In COL3A1, variants that affect these glycine residues are significantly enriched in individuals with disease (PMID: 24922459, 25758994) compared to the general population (ExAC). In summary, the currently available evidence indicates that the variant is pathogenic, but additional data are needed to prove that conclusively. Therefore, this variant has been classified as Likely Pathogenic. Advanced modeling of protein sequence and biophysical properties (such as structural, functional, and spatial information, amino acid conservation, physicochemical variation, residue mobility, and thermodynamic stability) performed at Invitae indicates that this missense variant is expected to disrupt COL3A1 protein function. This variant is not present in population databases (ExAC no frequency). This sequence change replaces glycine with glutamic acid at codon 357 of the COL3A1 protein (p.Gly357Glu). The glycine residue is highly conserved and there is a moderate physicochemical difference between glycine and glutamic acid.

Blueprint Genetics
Classification: Likely pathogenic for COL3A1-related disorders. Last evaluated: 2021-07-01. Review status: criteria provided, single submitter. Criteria: ACMG Guidelines, 2015. Collection method: clinical testing. Allele origin: germline. Affected: yes. Observed: 1 variant allele.

Literature cited by the submitters: PubMed 7695699 (cited by Labcorp Genetics (formerly Invitae), Labcorp); PubMed 8218237 (cited by Labcorp Genetics (formerly Invitae), Labcorp); PubMed 19344236 (cited by Labcorp Genetics (formerly Invitae), Labcorp); PubMed 24922459 (cited by Labcorp Genetics (formerly Invitae), Labcorp); PubMed 25758994 (cited by Labcorp Genetics (formerly Invitae), Labcorp).